The following is an entry in ClinVar:

NM_001379403.1(WDR26):c.1389C>G (p.Phe463Leu)

Gene: WDR26 (WD repeat domain 26; minus strand). Cytogenetic location: 1q42.12.
Variant type: single nucleotide variant.
Coding change: c.1389C>G on transcript NM_001379403.1 (MANE Select); coding-DNA position 1389, C replaced by G.
Protein change: p.Phe463Leu; replaces phenylalanine 463 with leucine.
Molecular consequence: missense variant.
Genome position (GRCh38, 1-based): chr1:224,411,496, G>C on the plus strand (C>G on the coding strand, the complement: WDR26 is on the minus strand). VCF-style: chr1-224411496-G-C. GRCh37 (hg19) VCF-style: chr1-224599198-G-C.
Other names: c.1041C>G, p.Phe347Leu (NM_001115113.3); c.1089C>G, p.Phe363Leu (NM_025160.7); short protein forms F347L, F363L, F463L.
Identifiers: ClinVar variation 1307688 (VCV001307688.3), dbSNP rs2102905337, ClinGen allele CA344749433.

ClinVar aggregate classification (germline): Likely pathogenic (1 of 4 stars; one submission).

Submission:

GeneDx
Classification: Likely pathogenic. Last evaluated: 2026-08-25. Review status: criteria provided, single submitter. Criteria: GeneDx Variant Classification Process June 2021. Collection method: clinical testing. Allele origin: germline.
Comment: Not observed at significant frequency in large population cohorts (gnomAD); In silico analysis supports that this missense variant has a deleterious effect on protein structure/function; Has not been previously published as pathogenic or benign to our knowledge